The following is an entry in ClinVar:

NM_006623.4(PHGDH):c.357-15T>C

Gene: PHGDH (phosphoglycerate dehydrogenase; plus strand). Cytogenetic location: 1p12.
Variant type: single nucleotide variant.
Coding change: c.357-15T>C on transcript NM_006623.4 (MANE Select); 15 bases into the intron before coding-DNA position 357, T replaced by C.
Molecular consequence: intron variant.
Genome position (GRCh38, 1-based): chr1:119,726,836, T>C. VCF-style: chr1-119726836-T-C. GRCh37 (hg19) VCF-style: chr1-120269459-T-C.
Identifiers: ClinVar variation 2139824 (VCV002139824.4), dbSNP rs2101171045, ClinGen allele CA2580060915.
Genomic context (GRCh38, chr1:119,726,836, plus strand): 5'-AACCTGATGTTGCATCTCCTTCCTGGGCTGGCGGGAGTCCGAATGGACCCTCTGAACCTG[T>C]GTCTATCCTTGCAGGCAGATTCCCCAGGCGACGGCTTCGATGAAGGACGGCAAATGGGAG-3'

ClinVar aggregate classification (germline): Uncertain significance (1 of 4 stars; one submission).

Conditions:
PHGDH deficiency. Identifiers: Orphanet 79351, MedGen C1866174, MONDO:0011152, OMIM 601815.

Submission:

Labcorp Genetics (formerly Invitae), Labcorp
Classification: Uncertain significance for PHGDH deficiency. Last evaluated: 2022-06-08. Review status: criteria provided, single submitter. Criteria: Invitae Variant Classification Sherloc (09022015). Collection method: clinical testing. Allele origin: germline.
Comment: Algorithms developed to predict the effect of sequence changes on RNA splicing suggest that this variant may create or strengthen a splice site. In summary, the available evidence is currently insufficient to determine the role of this variant in disease. Therefore, it has been classified as a Variant of Uncertain Significance. This variant has not been reported in the literature in individuals affected with PHGDH-related conditions. This variant is not present in population databases (gnomAD no frequency). This sequence change falls in intron 3 of the PHGDH gene. It does not directly change the encoded amino acid sequence of the PHGDH protein.